The following is an entry in ClinVar:

NM_000038.6(APC):c.1168del (p.Ile390fs)

Gene: APC (APC regulator of Wnt signaling pathway; plus strand). Cytogenetic location: 5q22.2.
Variant type: Deletion.
Coding change: c.1168del on transcript NM_000038.6 (MANE Select); coding-DNA position 1168, one base deleted (A; older notation c.1168delA).
Protein change: p.Ile390fs; shifts the reading frame from isoleucine 390.
Molecular consequence: frameshift variant. On other transcripts: non-coding transcript variant (2), intron variant (15).
Genome position (GRCh38, 1-based): chr5:112,819,200, A deleted. VCF-style (leftmost placement, unchanged base first): chr5-112819199-CA-C. GRCh37 (hg19) VCF-style: chr5-112154896-CA-C.
Other names: c.1168del, p.Ile390fs (NM_001127510.3, NM_001354895.2, NM_001354896.2 and 4 more transcripts); c.1114del, p.Ile372fs (NM_001127511.3); c.1198del, p.Ile400fs (NM_001354897.2, NM_001407446.1); c.1093del, p.Ile365fs (NM_001354898.2, NM_001407451.1); c.1084del, p.Ile362fs (NM_001354899.2, NM_001407452.1); c.991del, p.Ile331fs (NM_001354900.2, NM_001354901.2, NM_001407453.1); c.319del, p.Ile107fs (NM_001354906.2, NM_001407470.1); c.85-69del (NM_001407472.1, NM_001407471.1); and 5 more; short protein forms I107fs, I331fs, I362fs, I365fs, I372fs, I390fs, I400fs.
Identifiers: ClinVar variation 2583583 (VCV002583583.2), dbSNP rs2533050121, ClinGen allele CA2582341255.

ClinVar aggregate classification (germline): Pathogenic (1 of 4 stars; one submission).

Conditions:
Familial adenomatous polyposis 1 (FAP1). Also called: POLYPOSIS, ADENOMATOUS INTESTINAL; FAMILIAL ADENOMATOUS POLYPOSIS 1, ATTENUATED. Identifiers: MedGen C2713442, MONDO:0021056, OMIM 175100. Disease mechanism: loss of function.

Submission:

Myriad Genetics, Inc.
Classification: Pathogenic for Familial adenomatous polyposis 1. Last evaluated: 2023-04-28. Review status: criteria provided, single submitter. Criteria: Myriad Autosomal Dominant, Autosomal Recessive and X-Linked Classification Criteria (2023). Collection method: clinical testing. Allele origin: unknown.
Comment: This variant is considered pathogenic. This variant creates a frameshift predicted to result in premature protein truncation.